The following is an entry in ClinVar:

NC_000019.9:g.(?_11094828)_(11129709_?)del

Gene: SMARCA4 (SWI/SNF related BAF chromatin remodeling complex subunit ATPase 4; plus strand). Cytogenetic location: 19p13.2.
Variant type: Deletion.
Identifiers: ClinVar variation 1460092 (VCV001460092.4).

ClinVar aggregate classification (germline): Pathogenic (1 of 4 stars; one submission).

Conditions:
Rhabdoid tumor predisposition syndrome 2 (RTPS2). Identifiers: Orphanet 231108, Orphanet 69077, MedGen C2750074, MONDO:0013224, OMIM 613325.

Submission:

Labcorp Genetics (formerly Invitae), Labcorp
Classification: Pathogenic for Rhabdoid tumor predisposition syndrome 2. Last evaluated: 2021-04-29. Review status: criteria provided, single submitter. Criteria: Invitae Variant Classification Sherloc (09022015). Collection method: clinical testing. Allele origin: germline.
Comment: For these reasons, this variant has been classified as Pathogenic. This variant has not been reported in the literature in individuals with SMARCA4-related conditions. This variant is a gross deletion of the genomic region encompassing exon(s) 2-17 of the SMARCA4 gene, which includes the initiator codon. The 5' end of this event is unknown as it extends beyond the assayed region for this gene and therefore may encompass additional genes. The 3' boundary is likely confined to intron 17 of the SMARCA4 gene. It is expected to result in an absent or disrupted protein product. Loss-of-function variants in SMARCA4 are known to be pathogenic (PMID: 24658001, 24658002).

Literature cited by the submitters: PubMed 24658001; PubMed 24658002.